The following is an entry in ClinVar:

ClinVar aggregate classification (germline): Conflicting classifications of pathogenicity. Review status: criteria provided, conflicting classifications (1 of 4 stars). 2 submissions from 2 submitters: Uncertain significance (1); Likely benign (1). Last evaluated 2023-05-18.

Conditions:
Inborn genetic diseases. Identifiers: MedGen C0950123, MeSH D030342.
Fanconi anemia complementation group E (FANCE). Also called: FANCE-Related Fanconi Anemia. Identifiers: Orphanet 84, MedGen C3160739, MONDO:0010953, OMIM 600901.

Allele frequency attached by ClinVar (database versions not stated): gnomAD 0.00001; gnomAD exomes 0.00001 and 0.00004; TOPMed 0.00001; ExAC 0.00003.

Submissions (2):

Ambry Genetics
Classification: Likely benign for Inborn genetic diseases. Last evaluated: 2023-05-18. Review status: criteria provided, single submitter. Criteria: Ambry Variant Classification Scheme 2023. Collection method: clinical testing. Allele origin: germline.

Labcorp Genetics (formerly Invitae), Labcorp
Classification: Uncertain significance for Fanconi anemia complementation group E. Last evaluated: 2022-11-01. Review status: criteria provided, single submitter. Criteria: Invitae Variant Classification Sherloc (09022015). Collection method: clinical testing. Allele origin: germline.
Comment: This sequence change replaces methionine, which is neutral and non-polar, with threonine, which is neutral and polar, at codon 150 of the FANCE protein (p.Met150Thr). This variant is present in population databases (rs752797466, gnomAD 0.06%). This variant has not been reported in the literature in individuals affected with FANCE-related conditions. ClinVar contains an entry for this variant (Variation ID: 838896). Algorithms developed to predict the effect of missense changes on protein structure and function output the following: SIFT: "Tolerated"; PolyPhen-2: "Benign"; Align-GVGD: "Class C0". The threonine amino acid residue is found in multiple mammalian species, which suggests that this missense change does not adversely affect protein function. In summary, the available evidence is currently insufficient to determine the role of this variant in disease. Therefore, it has been classified as a Variant of Uncertain Significance.

NM_021922.3(FANCE):c.449T>C (p.Met150Thr)

Gene: FANCE (FA complementation group E; plus strand). Cytogenetic location: 6p21.31.
Variant type: single nucleotide variant.
Coding change: c.449T>C on transcript NM_021922.3 (MANE Select); coding-DNA position 449, T replaced by C.
Protein change: p.Met150Thr; replaces methionine 150 with threonine.
Molecular consequence: missense variant.
Genome position (GRCh38, 1-based): chr6:35,455,947, T>C. VCF-style: chr6-35455947-T-C. GRCh37 (hg19) VCF-style: chr6-35423724-T-C.
Other names: short protein forms M150T.
Identifiers: ClinVar variation 838896 (VCV000838896.6), dbSNP rs752797466, ClinGen allele CA3771411.